The following is an entry in ClinVar:

ClinVar aggregate classification (germline): Uncertain significance (1 of 4 stars; one submission).

Conditions:
Aortic aneurysm, familial thoracic 7 (AAT7). Also called: AORTIC DISSECTION, FAMILIAL, WITH OR WITHOUT AORTIC ANEURYSM. Identifiers: MedGen C3151077, MONDO:0013418, OMIM 613780.

Submission:

Labcorp Genetics (formerly Invitae), Labcorp
Classification: Uncertain significance for Aortic aneurysm, familial thoracic 7. Last evaluated: 2023-05-24. Review status: criteria provided, single submitter. Criteria: Invitae Variant Classification Sherloc (09022015). Collection method: clinical testing. Allele origin: germline.
Comment: In summary, the available evidence is currently insufficient to determine the role of this variant in disease. Therefore, it has been classified as a Variant of Uncertain Significance. Experimental studies and prediction algorithms are not available or were not evaluated, and the functional significance of this variant is currently unknown. This variant has not been reported in the literature in individuals affected with MYLK-related conditions. This variant is not present in population databases (gnomAD no frequency). This variant, c.3120_3155dup, results in the insertion of 12 amino acid(s) of the MYLK protein (p.Ala1044_Pro1055dup), but otherwise preserves the integrity of the reading frame.

NM_053025.4(MYLK):c.3120_3155dup (p.Pro1055_Asp1056insAlaGluThrLeuLysProMetGlyAsnAlaLysPro)

Gene: MYLK (myosin light chain kinase; minus strand). Cytogenetic location: 3q21.1.
Variant type: Duplication.
Coding change: c.3120_3155dup on transcript NM_053025.4 (MANE Select); coding-DNA positions 3120 to 3155, 36 bases duplicated.
Protein change: p.Pro1055_Asp1056insAlaGluThrLeuLysProMetGlyAsnAlaLysPro.
Molecular consequence: inframe insertion.
Genome position (GRCh38, 1-based): chr3:123,700,313-123,700,348, 36 bases duplicated; duplicating any 36 consecutive bases within chr3:123,700,313-123,700,356 gives the same sequence; the c. name uses the placement nearest the transcript's 3' end. GRCh37 (hg19): chr3:123,419,168-123,419,203.
Other names: c.2592_2627dup, p.Pro879_Asp880insAlaGluThrLeuLysProMetGlyAsnAlaLysPro (NM_001321309.2); c.2913_2948dup, p.Pro986_Asp987insAlaGluThrLeuLysProMetGlyAsnAlaLysPro (NM_053026.4, NM_053028.4); c.3120_3155dup, p.Pro1055_Asp1056insAlaGluThrLeuLysProMetGlyAsnAlaLysPro (NM_053027.4).
Identifiers: ClinVar variation 2989228 (VCV002989228.3), dbSNP rs779483683, ClinGen allele CA2667294307.
Genomic context (GRCh38, chr3:123,700,312, plus strand): 5'-CTTAACGTCTTTCTTGAGTTCTTCTTTGCTAGCGGATTTCAGGTTCTCATCAGGCTTGGC[A>ATTGCCCATGGGCTTCAGGGTCTCGGCAGGCTTGGCG]TTGCCCATGGGCTTCAGGGTCTCGGCAGGCTTGGCGTTGCCCATTGGCTTCAGGGTCTCA-3'